The following is an entry in ClinVar:

ClinVar aggregate classification (germline): Uncertain significance (1 of 4 stars; one submission).

Submission:

Ambry Genetics
Classification: Uncertain significance. Last evaluated: 2025-06-09. Review status: criteria provided, single submitter. Criteria: Ambry Variant Classification Scheme 2023. Collection method: clinical testing. Allele origin: germline.
Comment: The p.A39S variant (also known as c.115G>T), located in coding exon 1 of the ATRIP gene, results from a G to T substitution at nucleotide position 115. The alanine at codon 39 is replaced by serine, an amino acid with similar properties. This amino acid position is conserved. In addition, this alteration is predicted to be tolerated by in silico analysis. Based on the available evidence, the clinical significance of this variant remains unclear.

NM_130384.3(ATRIP):c.115G>T (p.Ala39Ser)

Genes: ATRIP (ATR interacting protein; plus strand), ATRIP-TREX1 (ATRIP-TREX1 readthrough; plus strand), LOC129936703 (ATAC-STARR-seq lymphoblastoid silent region 14331; plus strand). Cytogenetic location: 3p21.31.
Variant type: single nucleotide variant.
Coding change: c.115G>T on transcript NM_130384.3 (MANE Select); coding-DNA position 115, G replaced by T.
Protein change: p.Ala39Ser; replaces alanine 39 with serine.
Molecular consequence: missense variant. On other transcripts: non-coding transcript variant (1), intron variant (1).
Genome position (GRCh38, 1-based): chr3:48,446,960, G>T. VCF-style: chr3-48446960-G-T. GRCh37 (hg19) VCF-style: chr3-48488364-G-T.
Other names: c.115G>T, p.Ala39Ser (NM_032166.4); c.-218+161G>T (NM_001271022.2); short protein forms A39S.
Identifiers: ClinVar variation 3977126 (VCV003977126.1).